The following is an entry in ClinVar:

NM_054012.4(ASS1):c.356C>T (p.Thr119Ile)

Gene: ASS1 (argininosuccinate synthase 1; plus strand). Cytogenetic location: 9q34.11.
Variant type: single nucleotide variant.
Coding change: c.356C>T on transcript NM_054012.4 (MANE Select); coding-DNA position 356, C replaced by T.
Protein change: p.Thr119Ile; replaces threonine 119 with isoleucine.
Molecular consequence: missense variant.
Genome position (GRCh38, 1-based): chr9:130,458,582, C>T. VCF-style: chr9-130458582-C-T. GRCh37 (hg19) VCF-style: chr9-133333969-C-T.
Other names: c.356C>T, p.Thr119Ile (NM_000050.4); short protein forms T119I.
Identifiers: ClinVar variation 939977 (VCV000939977.12), dbSNP rs1845507027, ClinGen allele CA375225351.

ClinVar aggregate classification (germline): Pathogenic/Likely pathogenic. Review status: criteria provided, multiple submitters, no conflicts (2 of 4 stars). 4 submissions from 4 submitters: Pathogenic (1); Likely pathogenic (3). Last evaluated 2025-01-28.

Conditions:
Citrullinemia type I (CTNL1). Also called: ASS DEFICIENCY; argininosuccinate synthetase deficiency. Identifiers: Orphanet 247525, MedGen C4721769, MONDO:0008988, OMIM 215700.
Citrullinemia. Identifiers: Orphanet 187, MedGen C0175683, MONDO:0015991.

Allele frequency attached by ClinVar (database versions not stated): gnomAD exomes below 0.00001.
gnomAD v4.1: 1 of 1,612,590 alleles (0.000062%); highest among the groups gnomAD compares: Non-Finnish European, 0.000085%; no homozygotes.

Submissions (4):

Women's Health and Genetics/Laboratory Corporation of America, LabCorp
Classification: Likely pathogenic for Citrullinemia. Last evaluated: 2025-01-28. Review status: criteria provided, single submitter. Criteria: LabCorp Variant Classification Summary - May 2015. Collection method: clinical testing. Allele origin: germline.
Comment: Variant summary: ASS1 c.356C>T (p.Thr119Ile) results in a non-conservative amino acid change located in the Arginosuccinate synthase N-terminal HUP domain (IPR048267) of the encoded protein sequence. Five of five in-silico tools predict a damaging effect of the variant on protein function. The variant was absent in 246928 control chromosomes. c.356C>T has been reported in the literature in compound heterozygous individuals affected with Citrullinemia Type I (Diez-Fernandez_2016). These data indicate that the variant may be associated with disease. At least one publication reports experimental evidence evaluating an impact on protein function. The most pronounced variant effect results in almost complete loss of normal activity in an in vitro functional assay (Diez-Fernandez_2016). The following publications have been ascertained in the context of this evaluation (PMID: 27287393, 11708871). ClinVar contains an entry for this variant (Variation ID: 939977). Based on the evidence outlined above, the variant was classified as likely pathogenic.

Natera, Inc.
Classification: Likely pathogenic for Citrullinemia type I. Last evaluated: 2024-10-01. Review status: criteria provided, single submitter. Criteria: Natera Variant Classification Schema (03/2026). Collection method: clinical testing. Allele origin: germline.
Comment: The c.356C>T variant in ASS1 is a missense variant predicted to cause substitution of threonine to isoleucine at amino acid 119. This variant is rare in the general population with a frequency below the threshold expected for the associated phenotype(s). This variant has been observed in one or more individuals affected with the associated recessive disease, as either homozygous or compound heterozygous with a second variant (PMID: 27287393). Functional studies show that this variant may disrupt protein function (PMID: 27287393). Computational prediction algorithms indicate this variant is likely to affect gene or protein function. Given the available evidence, this variant is classified as Likely Pathogenic.

Baylor Genetics
Classification: Likely pathogenic for Citrullinemia type I. Last evaluated: 2022-07-03. Review status: criteria provided, single submitter. Criteria: ACMG Guidelines, 2015. Collection method: clinical testing. Allele origin: unknown.

Labcorp Genetics (formerly Invitae), Labcorp
Classification: Pathogenic for Citrullinemia. Last evaluated: 2019-08-10. Review status: criteria provided, single submitter. Criteria: Invitae Variant Classification Sherloc (09022015). Collection method: clinical testing. Allele origin: germline.
Comment: For these reasons, this variant has been classified as Pathogenic. This variant has been reported to affect ASS1 protein function (PMID: 27287393). This variant has been observed in combination with another ASS1 variant in individuals affected with citrullinemia type 1 (PMID: 27287393). This variant is not present in population databases (ExAC no frequency). This sequence change replaces threonine with isoleucine at codon 119 of the ASS1 protein (p.Thr119Ile). The threonine residue is highly conserved and there is a moderate physicochemical difference between threonine and isoleucine.

Literature cited by the submitters: PubMed 27287393 (cited by 3 submitters); PubMed 11708871 (cited by Women's Health and Genetics/Laboratory Corporation of America, LabCorp).